The following is an entry in ClinVar:

NM_000059.4(BRCA2):c.6158C>G (p.Ser2053Cys)

Gene: BRCA2 (BRCA2 DNA repair associated; plus strand). Cytogenetic location: 13q13.1.
Variant type: single nucleotide variant.
Coding change: c.6158C>G on transcript NM_000059.4 (MANE Select); coding-DNA position 6158, C replaced by G.
Protein change: p.Ser2053Cys; replaces serine 2053 with cysteine.
Molecular consequence: missense variant.
Genome position (GRCh38, 1-based): chr13:32,340,513, C>G. VCF-style: chr13-32340513-C-G. GRCh37 (hg19) VCF-style: chr13-32914650-C-G.
Other names: short protein forms S2053C.
Identifiers: ClinVar variation 826215 (VCV000826215.16), dbSNP rs1555284574, ClinGen allele CA387788313.

ClinVar aggregate classification (germline): Conflicting classifications of pathogenicity. Review status: criteria provided, conflicting classifications (1 of 4 stars). 5 submissions from 5 submitters: Uncertain significance (4); Likely benign (1). Last evaluated 2025-11-11.

Conditions:
Hereditary cancer-predisposing syndrome. Also called: Neoplastic Syndromes, Hereditary; Tumor predisposition; Hereditary neoplastic syndrome; Hereditary Cancer Syndrome. Identifiers: Orphanet 140162, MedGen C0027672, MeSH D009386, MONDO:0015356.
Hereditary breast ovarian cancer syndrome. Also called: Hereditary breast and ovarian cancer syndrome; Hereditary breast and ovarian cancer; Hereditary breast and ovarian cancer syndrome (HBOC); Breast and ovarian cancer; Hereditary breast and/or ovarian cancer syndrome; BRCA1- and BRCA2-Associated Hereditary Breast and Ovarian Cancer. Identifiers: Orphanet 145, MedGen C0677776, MeSH D061325, MONDO:0003582. Disease mechanism: loss of function.

Submissions (5):

Ambry Genetics
Classification: Uncertain significance for Hereditary cancer-predisposing syndrome. Last evaluated: 2025-11-11. Review status: criteria provided, single submitter. Criteria: Ambry Variant Classification Scheme 2023. Collection method: clinical testing. Allele origin: germline.
Comment: The p.S2053C variant (also known as c.6158C>G), located in coding exon 10 of the BRCA2 gene, results from a C to G substitution at nucleotide position 6158. The serine at codon 2053 is replaced by cysteine, an amino acid with dissimilar properties. This amino acid position is not well conserved in available vertebrate species. In addition, this alteration is predicted to be tolerated by in silico analysis. Since supporting evidence is limited at this time, the clinical significance of this alteration remains unclear.

Quest Diagnostics Nichols Institute San Juan Capistrano
Classification: Uncertain significance. Last evaluated: 2025-05-29. Review status: criteria provided, single submitter. Criteria: Quest Diagnostics criteria. Collection method: clinical testing. Allele origin: unknown.
Comment: The BRCA2 c.6158C>G (p.Ser2053Cys) variant has been reported in the published literature in individuals with BRCA-related cancers (PMID: 35753294 (2022)), and described to be located in a region of the BRCA2 gene that is tolerant to missense sequence changes (PMID: 31911673 (2020)). This variant has not been reported in large, multi-ethnic general populations (Genome Aggregation Database). Analysis of this variant using bioinformatics tools for the prediction of the effect of amino acid changes on protein structure and function yielded conflicting predictions that this variant is benign or damaging. Based on the available information, we are unable to determine the clinical significance of this variant.

Women's Health and Genetics/Laboratory Corporation of America, LabCorp
Classification: Uncertain significance. Last evaluated: 2025-02-10. Review status: criteria provided, single submitter. Criteria: LabCorp Variant Classification Summary - May 2015. Collection method: clinical testing. Allele origin: germline.
Comment: Variant summary: BRCA2 c.6158C>G (p.Ser2053Cys) results in a non-conservative amino acid change in the encoded protein sequence. Three of five in-silico tools predict a benign effect of the variant on protein function. The variant was absent in 250816 control chromosomes. The available data on variant occurrences in the general population are insufficient to allow any conclusion about variant significance. c.6158C>G has been reported in the literature in individuals affected with Hereditary Breast And Ovarian Cancer Syndrome without strong evidence for causality (Bisgin_2022). These report(s) do not provide unequivocal conclusions about association of the variant with Hereditary Breast And Ovarian Cancer Syndrome. To our knowledge, no experimental evidence demonstrating an impact on protein function has been reported. The following publication have been ascertained in the context of this evaluation (PMID: 35753294). ClinVar contains an entry for this variant (Variation ID: 826215). Based on the evidence outlined above, the variant was classified as uncertain significance.

University of Washington Department of Laboratory Medicine, University of Washington
Classification: Likely benign for Hereditary cancer-predisposing syndrome. Last evaluated: 2023-03-23. Review status: criteria provided, single submitter. Criteria: Dines et al. (Genet Med. 2020). Collection method: curation. Allele origin: germline.
Comment: Missense variant in a coldspot region where missense variants are very unlikely to be pathogenic (PMID:31911673).

BRCA2 exon 11 coldspot. Reclassification based on statistical prior probability.

Labcorp Genetics (formerly Invitae), Labcorp
Classification: Uncertain significance for Hereditary breast ovarian cancer syndrome. Last evaluated: 2022-08-18. Review status: criteria provided, single submitter. Criteria: Invitae Variant Classification Sherloc (09022015). Collection method: clinical testing. Allele origin: germline.
Comment: This sequence change replaces serine, which is neutral and polar, with cysteine, which is neutral and slightly polar, at codon 2053 of the BRCA2 protein (p.Ser2053Cys). This variant is not present in population databases (gnomAD no frequency). This variant has not been reported in the literature in individuals affected with BRCA2-related conditions. ClinVar contains an entry for this variant (Variation ID: 826215). Advanced modeling of protein sequence and biophysical properties (such as structural, functional, and spatial information, amino acid conservation, physicochemical variation, residue mobility, and thermodynamic stability) performed at Invitae indicates that this missense variant is not expected to disrupt BRCA2 protein function. In summary, the available evidence is currently insufficient to determine the role of this variant in disease. Therefore, it has been classified as a Variant of Uncertain Significance.

Literature cited by the submitters: PubMed 31911673 (cited by Quest Diagnostics Nichols Institute San Juan Capistrano); PubMed 35753294 (cited by Quest Diagnostics Nichols Institute San Juan Capistrano and Women's Health and Genetics/Laboratory Corporation of America, LabCorp).